The following is an entry in ClinVar:

ClinVar aggregate classification (germline): Uncertain significance (1 of 4 stars; one submission).

Submission:

Labcorp Genetics (formerly Invitae), Labcorp
Classification: Uncertain significance. Last evaluated: 2024-02-18. Review status: criteria provided, single submitter. Criteria: Invitae Variant Classification Sherloc (09022015). Collection method: clinical testing. Allele origin: germline.
Comment: This sequence change replaces glutamic acid, which is acidic and polar, with glutamine, which is neutral and polar, at codon 15 of the MS4A1 protein (p.Glu15Gln). This variant is not present in population databases (gnomAD no frequency). This variant has not been reported in the literature in individuals affected with MS4A1-related conditions. Algorithms developed to predict the effect of missense changes on protein structure and function output the following: SIFT: "Not Available"; PolyPhen-2: "Benign"; Align-GVGD: "Not Available". The glutamine amino acid residue is found in multiple mammalian species, which suggests that this missense change does not adversely affect protein function. In summary, the available evidence is currently insufficient to determine the role of this variant in disease. Therefore, it has been classified as a Variant of Uncertain Significance.

NM_152866.3(MS4A1):c.43G>C (p.Glu15Gln)

Gene: MS4A1 (membrane spanning 4-domains A1; plus strand). Cytogenetic location: 11q12.2.
Variant type: single nucleotide variant.
Coding change: c.43G>C on transcript NM_152866.3 (MANE Select); coding-DNA position 43, G replaced by C.
Protein change: p.Glu15Gln; replaces glutamic acid 15 with glutamine.
Molecular consequence: missense variant.
Genome position (GRCh38, 1-based): chr11:60,462,417, G>C. VCF-style: chr11-60462417-G-C. GRCh37 (hg19) VCF-style: chr11-60229890-G-C.
Other names: c.43G>C, p.Glu15Gln (NM_021950.4, NM_152867.2); short protein forms E15Q.
Identifiers: ClinVar variation 3641923 (VCV003641923.2).